The following is an entry in ClinVar:

NM_000278.5(PAX2):c.-4C>T

Gene: PAX2 (paired box 2; plus strand). Cytogenetic location: 10q24.31.
Variant type: single nucleotide variant.
Coding change: c.-4C>T on transcript NM_000278.5 (MANE Select); 4 bases upstream of the start codon, C replaced by T.
Molecular consequence: 5 prime UTR variant. On other transcripts: synonymous variant (2).
Genome position (GRCh38, 1-based): chr10:100,746,257, C>T. VCF-style: chr10-100746257-C-T. GRCh37 (hg19) VCF-style: chr10-102506014-C-T.
Other names: c.90C>T, p.Leu30= (NM_001304569.2, NM_001374303.1); c.-4C>T (NM_003987.5, NM_003988.5, NM_003989.5 and 1 more transcripts).
Identifiers: ClinVar variation 3029745 (VCV003029745.2), dbSNP rs1845166901, ClinGen allele CA1931905355.

ClinVar aggregate classification (germline): Likely benign (0 of 4 stars; one submission).

Conditions:
PAX2-Related Disorder. Also called: PAX2-related disorders. Identifiers: MedGen CN381309.

Allele frequency attached by ClinVar (database versions not stated): gnomAD exomes below 0.00001; TOPMed below 0.00001.
gnomAD v4.1: 2 of 1,613,764 alleles (0.00012%); highest among the groups gnomAD compares: Non-Finnish European, 0.000085%; no homozygotes.

Submission:

PreventionGenetics, part of Exact Sciences
Classification: Likely benign for PAX2-related condition. Last evaluated: 2021-06-01. Review status: no assertion criteria provided. Collection method: clinical testing. Allele origin: germline.
Comment: This variant is classified as likely benign based on ACMG/AMP sequence variant interpretation guidelines (Richards et al. 2015 PMID: 25741868, with internal and published modifications).